The following is an entry in ClinVar:

ClinVar aggregate classification (germline): Conflicting classifications of pathogenicity. Review status: criteria provided, conflicting classifications (1 of 4 stars). 10 submissions from 10 submitters: Uncertain significance (1); Benign (2); Likely benign (4). 3 of the submissions do not count toward it. Last evaluated 2026-06-01.

Conditions:
Intellectual disability-severe speech delay-mild dysmorphism syndrome (IDDLA). Also called: Mental retardation with language impairment and autistic features; Intellectual developmental disorder with language impairment AND with or without autistic features; FOXP1 Syndrome. Identifiers: Orphanet 391372, MedGen C4013764, MONDO:0013352, OMIM 613670.
Cerebellar vermis hypoplasia. Identifiers: MedGen C1840379, HP:0001320.
Inborn genetic diseases. Identifiers: MedGen C0950123, MeSH D030342.
FOXP1-related disorder. Also called: FOXP1-related condition.
Isolated cerebellar hypoplasia/agenesis (CHEGDD). Also called: Cerebellar hypoplasia/atrophy, epilepsy, and global developmental delay. Identifiers: Orphanet 1398, Orphanet 2246, MedGen C5231391, MONDO:0008939, OMIM 213000.

Allele frequency attached by ClinVar (database versions not stated): gnomAD 0.00015 and 0.00018; gnomAD exomes 0.00024; ExAC 0.00027.
gnomAD v4.1: 365 of 1,585,938 alleles (0.023%); highest among the groups gnomAD compares: Non-Finnish European, 0.028%; no homozygotes.

Submissions (10):

CeGaT Center for Human Genetics Tuebingen
Classification: Likely benign. Last evaluated: 2026-06-01. Review status: criteria provided, single submitter. Criteria: CeGaT Center For Human Genetics Tuebingen Variant Classification Criteria Version 2. Collection method: clinical testing. Allele origin: germline. Affected: yes. Observed: 7 variant alleles.
Comment: FOXP1: PP3, BS2

Labcorp Genetics (formerly Invitae), Labcorp
Classification: Benign. Last evaluated: 2025-12-01. Review status: criteria provided, single submitter. Criteria: Invitae Variant Classification Sherloc (09022015). Collection method: clinical testing. Allele origin: germline.

GeneDx
Classification: Benign. Last evaluated: 2021-01-28. Review status: criteria provided, single submitter. Criteria: GeneDx Variant Classification Process June 2021. Collection method: clinical testing. Allele origin: germline. Affected: yes.
Comment: This variant is associated with the following publications: (PMID: 31474318)

Institute of Human Genetics, University of Leipzig Medical Center
Classification: Likely benign for Intellectual disability-severe speech delay-mild dysmorphism syndrome. Last evaluated: 2019-01-01. Review status: criteria provided, single submitter. Criteria: ACMG Guidelines, 2015. Collection method: clinical testing. Allele origin: unknown. Affected: yes.

Ambry Genetics
Classification: Likely benign for Inborn genetic diseases. Last evaluated: 2017-01-22. Review status: criteria provided, single submitter. Criteria: Ambry Variant Classification Scheme 2023. Collection method: clinical testing. Allele origin: germline.

Eurofins Ntd Llc (ga)
Classification: Likely benign. Last evaluated: 2016-02-08. Review status: criteria provided, single submitter. Criteria: EGL Classification Definitions 2015. Collection method: clinical testing. Allele origin: germline. Observed: 2 variant alleles, 2 heterozygotes.

Genetic Services Laboratory, University of Chicago
Classification: Uncertain significance. Last evaluated: 2015-07-17. Review status: criteria provided, single submitter. Criteria: ACMG Guidelines, 2015. Collection method: clinical testing. Allele origin: germline.

PreventionGenetics, part of Exact Sciences
Classification: Likely benign for FOXP1-related condition. Last evaluated: 2021-06-29. Review status: no assertion criteria provided. Collection method: clinical testing. Allele origin: germline. Not counted in ClinVar's aggregate classification.
Comment: This variant is classified as likely benign based on ACMG/AMP sequence variant interpretation guidelines (Richards et al. 2015 PMID: 25741868, with internal and published modifications).

Dobyns Lab, Seattle Children's Research Institute
Classification: Likely pathogenic for Mental retardation with language impairment and with or without autistic features; Cerebellar vermis hypoplasia. Last evaluated: 2019-02-18. Review status: no assertion criteria provided. Collection method: research. Allele origin: germline. Affected: yes. Observed: 1 variant allele. Not counted in ClinVar's aggregate classification.

University of Washington Center for Mendelian Genomics, University of Washington
Classification: Likely pathogenic for Cerebellar hypoplasia. Review status: no assertion criteria provided. Collection method: research. Allele origin: de novo. Affected: yes. Not counted in ClinVar's aggregate classification.

Literature cited by the submitters: PubMed 31474318 (cited by University of Washington Center for Mendelian Genomics, University of Washington).

NM_001349338.3(FOXP1):c.44C>T (p.Ala15Val)

Gene: FOXP1 (forkhead box P1; minus strand). Cytogenetic location: 3p13.
Variant type: single nucleotide variant.
Coding change: c.44C>T on transcript NM_001349338.3 (MANE Select); coding-DNA position 44, C replaced by T.
Protein change: p.Ala15Val; replaces alanine 15 with valine.
Molecular consequence: missense variant. On other transcripts: non-coding transcript variant (2).
Genome position (GRCh38, 1-based): chr3:71,198,338, G>A on the plus strand (C>T on the coding strand, the complement: FOXP1 is on the minus strand). VCF-style: chr3-71198338-G-A. GRCh37 (hg19) VCF-style: chr3-71247489-G-A.
Other names: c.44C>T, p.Ala15Val (NM_001012505.2, NM_001244808.3, NM_001244810.2 and 6 more transcripts); short protein forms A15V.
Identifiers: ClinVar variation 211043 (VCV000211043.47), dbSNP rs532329866, ClinGen allele CA208669.
Genomic context (GRCh38, chr3:71,198,338, plus strand): 5'-CCCTCCCGAAGACCGCCGCACTCTAGTAAGTGGTTGCTGCCGCCCGACCCATTCTGGATG[G>A]CTGAACCGTTACTTTTTGTCTCAGTCCCAGATTCTTGCATCATGACTCAAAAACCTGATA-3'
Protein context (NP_001336267.1, residues 5-25): SGTETKSNGS[Ala15Val]IQNGSGGSNH